The following is an entry in ClinVar:

NM_004181.5(UCHL1):c.*309T>C

Gene: UCHL1 (ubiquitin C-terminal hydrolase L1; plus strand). Cytogenetic location: 4p13.
Variant type: single nucleotide variant.
Coding change: c.*309T>C on transcript NM_004181.5 (MANE Select); 309 bases downstream of the stop codon, T replaced by C.
Molecular consequence: 3 prime UTR variant.
Genome position (GRCh38, 1-based): chr4:41,268,382, T>C. VCF-style: chr4-41268382-T-C. GRCh37 (hg19) VCF-style: chr4-41270399-T-C.
Identifiers: ClinVar variation 348778 (VCV000348778.5), dbSNP rs78683791, ClinGen allele CA10618724.

ClinVar aggregate classification (germline): Benign (1 of 4 stars; one submission).

Conditions:
Parkinson disease 5, autosomal dominant, susceptibility to (PARK5). Also called: Parkinson disease 5, susceptibility to. Identifiers: Orphanet 2828, MedGen C3150899, MONDO:0013340, OMIM 613643.

Allele frequency attached by ClinVar (database versions not stated): gnomAD exomes 0.00068; gnomAD 0.00507 and 0.00537; TOPMed 0.00570; 1000 Genomes Project 0.00799; 1000 Genomes Project 30x 0.00984.
gnomAD v4.1: 954 of 408,856 alleles (0.23%); highest among the groups gnomAD compares: African/African-American, 1.7%; 7 homozygotes.

Submission:

Illumina Laboratory Services, Illumina
Classification: Benign for Parkinson disease 5, autosomal dominant, susceptibility to. Last evaluated: 2018-01-12. Review status: criteria provided, single submitter. Criteria: ICSL Variant Classification Criteria 13 December 2019. Collection method: clinical testing. Allele origin: germline.
Comment: This variant was observed in the ICSL laboratory as part of a predisposition screen in an ostensibly healthy population. It had not been previously curated by ICSL or reported in the Human Gene Mutation Database (HGMD: prior to June 1st, 2018), and was therefore a candidate for classification through an automated scoring system. Utilizing variant allele frequency, disease prevalence and penetrance estimates, and inheritance mode, an automated score was calculated to assess if this variant is too frequent to cause the disease. Based on the score and internal cut-off values, a variant classified as benign is not then subjected to further curation. The score for this variant resulted in a classification of benign for this disease.